The following is an entry in ClinVar:

ClinVar aggregate classification (germline): Likely benign (0 of 4 stars; one submission).

Conditions:
PLXNA3-related disorder. Also called: PLXNA3-related condition.

Allele frequency attached by ClinVar (database versions not stated): gnomAD exomes 0.00008; TOPMed 0.00009; gnomAD 0.00011; ExAC 0.00021; 1000 Genomes Project 0.00053; 1000 Genomes Project 30x 0.00062.
gnomAD v4.1: 102 of 1,208,685 alleles (0.0084%); highest among the groups gnomAD compares: East Asian, 0.24%; 1 homozygote.

Submission:

PreventionGenetics, part of Exact Sciences
Classification: Likely benign for PLXNA3-related condition. Last evaluated: 2022-08-19. Review status: no assertion criteria provided. Collection method: clinical testing. Allele origin: germline.
Comment: This variant is classified as likely benign based on ACMG/AMP sequence variant interpretation guidelines (Richards et al. 2015 PMID: 25741868, with internal and published modifications).

NM_017514.5(PLXNA3):c.2720C>T (p.Pro907Leu)

Gene: PLXNA3 (plexin A3; plus strand). Cytogenetic location: Xq28.
Variant type: single nucleotide variant.
Coding change: c.2720C>T on transcript NM_017514.5 (MANE Select); coding-DNA position 2720, C replaced by T.
Protein change: p.Pro907Leu; replaces proline 907 with leucine.
Molecular consequence: missense variant.
Genome position (GRCh38, 1-based): chrX:154,466,191, C>T. VCF-style: chrX-154466191-C-T. GRCh37 (hg19) VCF-style: chrX-153694534-C-T.
Other names: short protein forms P907L.
Identifiers: ClinVar variation 3054603 (VCV003054603.2), dbSNP rs199852866, ClinGen allele CA10564460.